The following is an entry in ClinVar:

ClinVar aggregate classification (germline): Benign/Likely benign. Review status: criteria provided, multiple submitters, no conflicts (2 of 4 stars). 7 submissions from 7 submitters: Benign (2); Likely benign (5). Last evaluated 2026-04-01.

Conditions:
Brown-Vialetto-van Laere syndrome 2. Also called: Riboflavin transporter deficiency type 2; SPINOCEREBELLAR ATAXIA WITH BLINDNESS AND DEAFNESS 2. Identifiers: Orphanet 572543, Orphanet 97229, MedGen C3553538, MONDO:0013867, OMIM 614707.
Inborn genetic diseases. Identifiers: MedGen C0950123, MeSH D030342.

Allele frequency attached by ClinVar (database versions not stated): ExAC 0.00041; gnomAD 0.00148 and 0.00133; 1000 Genomes Project 0.00080; 1000 Genomes Project 30x 0.00094; gnomAD exomes 0.00008 and 0.00034; ESP Exome Variant Server 0.00100; TOPMed 0.00154.

Submissions (7):

CeGaT Center for Human Genetics Tuebingen
Classification: Likely benign. Last evaluated: 2026-04-01. Review status: criteria provided, single submitter. Criteria: CeGaT Center For Human Genetics Tuebingen Variant Classification Criteria Version 2. Collection method: clinical testing. Allele origin: germline. Affected: yes. Observed: 1 variant allele.
Comment: SLC52A2: BP4, BP7

Labcorp Genetics (formerly Invitae), Labcorp
Classification: Benign for Brown-Vialetto-van Laere syndrome 2. Last evaluated: 2026-01-14. Review status: criteria provided, single submitter. Criteria: Invitae Variant Classification Sherloc (09022015). Collection method: clinical testing. Allele origin: germline.

Mayo Clinic Laboratories, Mayo Clinic
Classification: Likely benign. Last evaluated: 2025-12-10. Review status: criteria provided, single submitter. Criteria: ACMG Guidelines, 2015. Collection method: clinical testing. Allele origin: germline. Observed: 1 variant allele.
Comment: BS1, BP4, BP7

Blueprint Genetics
Classification: Likely benign. Last evaluated: 2024-09-13. Review status: criteria provided, single submitter. Criteria: ACMG Guidelines, 2015. Collection method: clinical testing. Allele origin: germline.

Ambry Genetics
Classification: Likely benign for Inborn genetic diseases. Last evaluated: 2019-07-11. Review status: criteria provided, single submitter. Criteria: Ambry Variant Classification Scheme 2023. Collection method: clinical testing. Allele origin: germline.

Laboratory for Molecular Medicine, Mass General Brigham Personalized Medicine
Classification: Benign. Last evaluated: 2017-08-23. Review status: criteria provided, single submitter. Criteria: LMM Criteria. Collection method: clinical testing. Allele origin: germline. Observed: 1 variant allele.
Comment: p.Leu215Leu in exon 3 of SLC52A2: This variant is not expected to have clinical significance because it does not alter an amino acid residue, is not located wit hin the splice consensus sequence, and has been identified in 0.45% (46/10210) o f African chromosomes by the Exome Aggregation Consortium (ExAC; dbSNP rs147954962).

GeneDx
Classification: Likely benign. Last evaluated: 2017-08-01. Review status: criteria provided, single submitter. Criteria: GeneDx Variant Classification (06012015). Collection method: clinical testing. Allele origin: germline. Affected: yes.
Comment: This variant is considered likely benign or benign based on one or more of the following criteria: it is a conservative change, it occurs at a poorly conserved position in the protein, it is predicted to be benign by multiple in silico algorithms, and/or has population frequency not consistent with disease.

NM_001363118.2(SLC52A2):c.643C>T (p.Leu215=)

Gene: SLC52A2 (solute carrier family 52 member 2; plus strand). Cytogenetic location: 8q24.3.
Variant type: single nucleotide variant.
Coding change: c.643C>T on transcript NM_001363118.2 (MANE Select); coding-DNA position 643, C replaced by T.
Protein change: p.Leu215=; no amino-acid change (leucine 215 retained).
Molecular consequence: synonymous variant. On other transcripts: non-coding transcript variant (1).
Genome position (GRCh38, 1-based): chr8:144,360,135, C>T. VCF-style: chr8-144360135-C-T. GRCh37 (hg19) VCF-style: chr8-145583795-C-T.
Other names: p.Leu215=; c.643C>T, p.Leu215= (NM_001253815.2, NM_001253816.2, NM_001363120.2 and 2 more transcripts); c.151C>T, p.Leu51= (NM_001363122.2).
Identifiers: ClinVar variation 388534 (VCV000388534.24), dbSNP rs147954962, ClinGen allele CA4938249.